The following is an entry in ClinVar:

ClinVar aggregate classification (germline): Benign/Likely benign. Review status: criteria provided, multiple submitters, no conflicts (2 of 4 stars). 6 submissions from 6 submitters: Benign (5); Likely benign (1). Last evaluated 2026-07-23.

Conditions:
MARS2-related disorder. Also called: MARS2-related condition.

Allele frequency attached by ClinVar (database versions not stated): gnomAD 0.00006 and 0.00079; ESP Exome Variant Server 0.00008; TOPMed 0.00008; gnomAD exomes 0.00310; ExAC 0.00344; 1000 Genomes Project 30x 0.00453; 1000 Genomes Project 0.00479.
gnomAD v4.1: 2,293 of 1,611,954 alleles (0.14%); highest among the groups gnomAD compares: South Asian, 2.4%; 45 homozygotes.

Submissions (6):

PreventionGenetics, part of Exact Sciences
Classification: Benign for MARS2-related condition. Last evaluated: 2026-07-23. Review status: criteria provided, single submitter. Criteria: ACMG Guidelines, 2015. Collection method: clinical testing. Allele origin: germline.
Comment: This variant is classified as benign based on ACMG/AMP sequence variant interpretation guidelines (Richards et al. 2015 PMID: 25741868, with internal and published modifications).

Labcorp Genetics (formerly Invitae), Labcorp
Classification: Benign. Last evaluated: 2026-01-10. Review status: criteria provided, single submitter. Criteria: Invitae Variant Classification Sherloc (09022015). Collection method: clinical testing. Allele origin: germline.

Mayo Clinic Laboratories, Mayo Clinic
Classification: Benign. Last evaluated: 2025-08-07. Review status: criteria provided, single submitter. Criteria: ACMG Guidelines, 2015. Collection method: clinical testing. Allele origin: germline. Observed: 2 variant alleles.
Comment: BS1, BS2, BP4, BP7

Blueprint Genetics
Classification: Likely benign. Last evaluated: 2024-11-22. Review status: criteria provided, single submitter. Criteria: ACMG Guidelines, 2015. Collection method: clinical testing. Allele origin: germline.

GeneDx
Classification: Benign. Last evaluated: 2016-10-05. Review status: criteria provided, single submitter. Criteria: GeneDx Variant Classification (06012015). Collection method: clinical testing. Allele origin: germline. Affected: yes.
Comment: This variant is considered likely benign or benign based on one or more of the following criteria: it is a conservative change, it occurs at a poorly conserved position in the protein, it is predicted to be benign by multiple in silico algorithms, and/or has population frequency not consistent with disease.

Breakthrough Genomics
Classification: Benign. Review status: criteria provided, single submitter. Criteria: ACMG Guidelines, 2015. Collection method: not provided. Allele origin: germline. Inheritance: Autosomal recessive inheritance. Affected: yes.

NM_138395.4(MARS2):c.322C>T (p.Leu108=)

Genes: MARS2 (methionyl-tRNA synthetase 2, mitochondrial; plus strand), LOC129935366 (ATAC-STARR-seq lymphoblastoid active region 16943; plus strand). Cytogenetic location: 2q33.1.
Variant type: single nucleotide variant.
Coding change: c.322C>T on transcript NM_138395.4 (MANE Select); coding-DNA position 322, C replaced by T.
Protein change: p.Leu108=; no amino-acid change (leucine 108 retained).
Molecular consequence: synonymous variant.
Genome position (GRCh38, 1-based): chr2:197,705,727, C>T. VCF-style: chr2-197705727-C-T. GRCh37 (hg19) VCF-style: chr2-198570451-C-T.
Other names: p.Leu108=.
Identifiers: ClinVar variation 379170 (VCV000379170.15), dbSNP rs375161020, ClinGen allele CA2044561.